The following is an entry in ClinVar:

ClinVar aggregate classification (germline): Benign. Review status: reviewed by expert panel (3 of 4 stars). 8 submissions from 8 submitters: Benign (1). 7 of the submissions do not count toward it. Last evaluated 2025-09-07.

Conditions:
RPGR-related retinopathy. Also called: RPGR retinopathy. Identifiers: MedGen CN305589, MONDO:0100437.
X-linked cone-rod dystrophy 1 (CORDX1). Identifiers: Orphanet 1872, MedGen C1844776, MONDO:0010566, OMIM 304020.
Retinitis pigmentosa, X-linked, and sinorespiratory infections, with or without deafness (RPSRDF). Identifiers: Orphanet 247522, MedGen C2749137, OMIM 300455.
Macular degeneration, X-linked atrophic. Identifiers: Orphanet 1872, MedGen C3151784, MONDO:0010443, OMIM 300834.
Retinitis pigmentosa 3. Also called: CHOROIDORETINAL DEGENERATION WITH RETINAL REFLEX IN HETEROZYGOUS WOMEN. Identifiers: Orphanet 791, MedGen C1845667, MONDO:0010227, OMIM 300029.
Primary ciliary dyskinesia. Also called: Ciliary dyskinesia. Identifiers: Orphanet 244, MedGen C0008780, MONDO:0016575, HP:0012265.

Allele frequency attached by ClinVar (database versions not stated): gnomAD 0.02007 and 0.02128; TOPMed 0.02295; 1000 Genomes Project 0.02384; 1000 Genomes Project 30x 0.02518; ESP Exome Variant Server 0.02651.
gnomAD v4.1: 4,457 of 1,205,773 alleles (0.37%); highest among the groups gnomAD compares: African/African-American, 6.9%; 100 homozygotes.

Submissions (8):

ClinGen X-linked Inherited Retinal Disease Variant Curation Expert Panel, ClinGen
Classification: Benign for RPGR-related retinopathy. Last evaluated: 2025-09-07. Review status: reviewed by expert panel. Criteria: ClinGen X LinkedIRD ACMG Specifications RPGR V1.0.0. Collection method: curation. Allele origin: germline. Inheritance: X-linked inheritance.
Comment: NM_001034853.2(RPGR):c.552G>T (p.Gln184His) is a missense variant causing substitution of glutamine by histidine at amino acid 184. This variant is present in gnomAD v4.1.0 at a frequency of 0.003034 among hemizygous individuals, with 1,194 variant alleles / 393,499 total hemizygous alleles, which is higher than the ClinGen X-linked IRD VCEP BA1 threshold of >0.000005 (BA1). The computational predictor REVEL gives a score of 0.17, which is below the ClinGen X-linked IRD VCEP threshold of <0.183 and predicts a non-damaging effect on RPGR function. Additionally, the splicing impact predictor SpliceAI gives a delta score of 0.03, which is below the ClinGen X-linked IRD VCEP recommended threshold of <0.1 and does not strongly predict an impact on splicing (BP4_Moderate). In summary, this variant is classified as benign for RPGR-related retinopathy based on the ClinGen X-linked Inherited Retinal Disease Expert Panel Specifications to the ACMG/AMP Variant Interpretation Guidelines for RPGR Version 1.0.0; BA1 and BP4_Moderate..

Labcorp Genetics (formerly Invitae), Labcorp
Classification: Benign for Primary ciliary dyskinesia. Last evaluated: 2026-02-01. Review status: criteria provided, single submitter. Criteria: Invitae Variant Classification Sherloc (09022015). Collection method: clinical testing. Allele origin: germline. Not counted in ClinVar's aggregate classification.

Blueprint Genetics
Classification: Benign. Last evaluated: 2024-11-27. Review status: criteria provided, single submitter. Criteria: ACMG Guidelines, 2015. Collection method: clinical testing. Allele origin: germline. Not counted in ClinVar's aggregate classification.

Fulgent Genetics
Classification: Benign for Retinitis pigmentosa 3; Retinitis pigmentosa, X-linked, and sinorespiratory infections, with or without deafness; Macular degeneration, X-linked atrophic; X-linked cone-rod dystrophy 1. Last evaluated: 2022-04-08. Review status: criteria provided, single submitter. Criteria: ACMG Guidelines, 2015. Collection method: clinical testing. Allele origin: unknown. Not counted in ClinVar's aggregate classification.

GeneDx
Classification: Benign. Last evaluated: 2019-02-04. Review status: criteria provided, single submitter. Criteria: GeneDx Variant Classification Process June 2021. Collection method: clinical testing. Allele origin: germline. Affected: yes. Not counted in ClinVar's aggregate classification.

Ambry Genetics
Classification: Benign for Primary ciliary dyskinesia. Last evaluated: 2015-12-01. Review status: criteria provided, single submitter. Criteria: Ambry Variant Classification Scheme 2023. Collection method: clinical testing. Allele origin: germline. Not counted in ClinVar's aggregate classification.

Breakthrough Genomics
Classification: Benign. Review status: criteria provided, single submitter. Criteria: ACMG Guidelines, 2015. Collection method: not provided. Allele origin: germline. Inheritance: X-linked inheritance. Affected: yes. Not counted in ClinVar's aggregate classification.

PreventionGenetics, part of Exact Sciences
Classification: Benign. Review status: criteria provided, single submitter. Criteria: ACMG Guidelines, 2015. Collection method: clinical testing. Allele origin: germline. Not counted in ClinVar's aggregate classification.

NM_001034853.2(RPGR):c.552G>T (p.Gln184His)

Gene: RPGR (retinitis pigmentosa GTPase regulator; minus strand). Cytogenetic location: Xp11.4.
Variant type: single nucleotide variant.
Coding change: c.552G>T on transcript NM_001034853.2 (MANE Select); coding-DNA position 552, G replaced by T.
Protein change: p.Gln184His; replaces glutamine 184 with histidine.
Molecular consequence: missense variant. On other transcripts: non-coding transcript variant (5).
Genome position (GRCh38, 1-based): chrX:38,317,383, C>A on the plus strand (G>T on the coding strand, the complement: RPGR is on the minus strand). VCF-style: chrX-38317383-C-A. GRCh37 (hg19) VCF-style: chrX-38176636-C-A.
Other names: NM_001034853.2(RPGR):c.552G>T; c.552G>T, p.Gln184His (NM_000328.3, NM_001367245.1, NM_001367246.1 and 3 more transcripts); c.582G>T, p.Gln194His (NM_001367248.1); c.549G>T, p.Gln183His (NM_001367249.1); short protein forms Q184H, Q183H, Q194H.
Identifiers: ClinVar variation 255836 (VCV000255836.22), dbSNP rs5963403, ClinGen allele CA10385632.